The following is an entry in ClinVar:

ClinVar aggregate classification (germline): Uncertain significance. Review status: criteria provided, multiple submitters, no conflicts (2 of 4 stars). 3 submissions from 3 submitters: Uncertain significance (3). Last evaluated 2025-11-25.

Conditions:
Hereditary cancer-predisposing syndrome. Also called: Tumor predisposition; Neoplastic Syndromes, Hereditary; Hereditary neoplastic syndrome; Hereditary Cancer Syndrome. Identifiers: Orphanet 140162, MedGen C0027672, MeSH D009386, MONDO:0015356.
Familial adenomatous polyposis 1 (FAP1). Also called: POLYPOSIS, ADENOMATOUS INTESTINAL; FAMILIAL ADENOMATOUS POLYPOSIS 1, ATTENUATED. Identifiers: MedGen C2713442, MONDO:0021056, OMIM 175100. Disease mechanism: loss of function.

Submissions (3):

Labcorp Genetics (formerly Invitae), Labcorp
Classification: Uncertain significance for Familial adenomatous polyposis 1. Last evaluated: 2025-11-25. Review status: criteria provided, single submitter. Criteria: Invitae Variant Classification Sherloc (09022015). Collection method: clinical testing. Allele origin: germline.
Comment: This sequence change replaces glycine, which is neutral and non-polar, with arginine, which is basic and polar, at codon 2191 of the APC protein (p.Gly2191Arg). This variant is not present in population databases (gnomAD no frequency). This variant has not been reported in the literature in individuals affected with APC-related conditions. ClinVar contains an entry for this variant (Variation ID: 631281). Invitae Evidence Modeling of protein sequence and biophysical properties (such as structural, functional, and spatial information, amino acid conservation, physicochemical variation, residue mobility, and thermodynamic stability) indicates that this missense variant is not expected to disrupt APC protein function with a negative predictive value of 95%. In summary, the available evidence is currently insufficient to determine the role of this variant in disease. Therefore, it has been classified as a Variant of Uncertain Significance.

Ambry Genetics
Classification: Uncertain significance for Hereditary cancer-predisposing syndrome. Last evaluated: 2021-01-22. Review status: criteria provided, single submitter. Criteria: Ambry Variant Classification Scheme 2023. Collection method: clinical testing. Allele origin: germline.
Comment: The p.G2191R variant (also known as c.6571G>A), located in coding exon 15 of the APC gene, results from a G to A substitution at nucleotide position 6571. The glycine at codon 2191 is replaced by arginine, an amino acid with dissimilar properties. This amino acid position is highly conserved in available vertebrate species. In addition, in silico predictors for this gene do not accurately predict pathogenicity. Since supporting evidence is limited at this time, the clinical significance of this alteration remains unclear.

Color Diagnostics, LLC DBA Color Health
Classification: Uncertain significance for Hereditary cancer-predisposing syndrome. Last evaluated: 2019-01-31. Review status: criteria provided, single submitter. Criteria: ACMG Guidelines, 2015. Collection method: clinical testing. Allele origin: germline.

NM_000038.6(APC):c.6571G>A (p.Gly2191Arg)

Gene: APC (APC regulator of Wnt signaling pathway; plus strand). Cytogenetic location: 5q22.2.
Variant type: single nucleotide variant.
Coding change: c.6571G>A on transcript NM_000038.6 (MANE Select); coding-DNA position 6571, G replaced by A.
Protein change: p.Gly2191Arg; replaces glycine 2191 with arginine.
Molecular consequence: missense variant.
Genome position (GRCh38, 1-based): chr5:112,842,165, G>A. VCF-style: chr5-112842165-G-A. GRCh37 (hg19) VCF-style: chr5-112177862-G-A.
Other names: c.6571G>A, p.Gly2191Arg (NM_001127510.3, NM_001354895.2); c.6517G>A, p.Gly2173Arg (NM_001127511.3); c.6625G>A, p.Gly2209Arg (NM_001354896.2); c.6601G>A, p.Gly2201Arg (NM_001354897.2); c.6496G>A, p.Gly2166Arg (NM_001354898.2); c.6487G>A, p.Gly2163Arg (NM_001354899.2); c.6448G>A, p.Gly2150Arg (NM_001354900.2); c.6394G>A, p.Gly2132Arg (NM_001354901.2); and 5 more; short protein forms G2173R, G2191R, G2090R, G2132R, G2150R, G2209R, G2163R, G2201R.
Identifiers: ClinVar variation 631281 (VCV000631281.10), dbSNP rs1561608336, ClinGen allele CA16035706.